The following is an entry in ClinVar:

ClinVar aggregate classification (germline): Conflicting classifications of pathogenicity. Review status: criteria provided, conflicting classifications (1 of 4 stars). 9 submissions from 9 submitters: Uncertain significance (5); Likely benign (4). Last evaluated 2025-08-25.

Conditions:
Peutz-Jeghers syndrome (PJS). Also called: Peutz-Jeghers polyposis; Periorificial lentiginosis syndrome; POLYPOSIS, HAMARTOMATOUS INTESTINAL; POLYPS-AND-SPOTS SYNDROME. Identifiers: Orphanet 2869, MedGen C0031269, MeSH D010580, MONDO:0008280, OMIM 175200.
Hereditary cancer. Identifiers: MedGen C1333600.
Hereditary cancer-predisposing syndrome. Also called: Hereditary neoplastic syndrome; Hereditary Cancer Syndrome; Neoplastic Syndromes, Hereditary; Tumor predisposition. Identifiers: Orphanet 140162, MedGen C0027672, MeSH D009386, MONDO:0015356.

Submissions (9):

Labcorp Genetics (formerly Invitae), Labcorp
Classification: Likely benign for Peutz-Jeghers syndrome. Last evaluated: 2025-08-25. Review status: criteria provided, single submitter. Criteria: Invitae Variant Classification Sherloc (09022015). Collection method: clinical testing. Allele origin: germline.

Quest Diagnostics Nichols Institute San Juan Capistrano
Classification: Uncertain significance. Last evaluated: 2025-05-06. Review status: criteria provided, single submitter. Criteria: Quest Diagnostics criteria. Collection method: clinical testing. Allele origin: unknown.
Comment: The STK11 c.863-5_863-3del variant has been identified in the published literature in an individual who did not have clinical symptoms of Peutz-Jeghers syndrome (PJS) (PMID: 34439939 (2021)). RNAseq analysis has shown that this variant results in a lowly expressed aberrant transcript that lacks exon 7 (PMID: 34439939 (2021)). The frequency of this variant in the general population (Genome Aggregation Database) is uninformative in the assessment of its pathogenicity. Analysis of this variant using software algorithms for the prediction of the effect of nucleotide changes on splicing yielded predictions that this variant may affect proper STK11 mRNA splicing. Based on the available information, we are unable to determine the clinical significance of this variant.

Women's Health and Genetics/Laboratory Corporation of America, LabCorp
Classification: Likely benign. Last evaluated: 2025-04-29. Review status: criteria provided, single submitter. Criteria: LabCorp Variant Classification Summary - May 2015. Collection method: clinical testing. Allele origin: germline.
Comment: Variant summary: STK11 c.863-5_863-3delCTC alters a non-conserved nucleotide located close to a canonical splice site and therefore could affect mRNA splicing, leading to a significantly altered protein sequence. Several computational tools predict a significant impact on normal splicing: Three predict the variant weakens a 3 acceptor site. c.863-5_863-3delCTC has been reported in the literature in an individual that did not have any clinical characteristics of Peutz-Jeghers syndrome. RNAseq analysis of the patient blood sample revealed an abnormal transcript that lacks exon 7. However, this out-of-frame transcript was minorly expressed (only in 0.9%), implying that the variant causes an insignificant splicing abnormality (Dragos_2021). The frequency data for this variant in gnomAD is considered unreliable, as metrics indicate poor data quality at this position. Co-occurrence with a pathogenic variant has been observed via internal testing (BRCA2 c.100G>T, p.E34X), providing supporting evidence for a benign role. To our knowledge, no experimental evidence demonstrating an impact on protein function has been reported. The following publication has been ascertained in the context of this evaluation (PMID: 34439939). ClinVar contains an entry for this variant (Variation ID: 420387). Based on the evidence outlined above, the variant was classified as likely benign.

GeneDx
Classification: Uncertain significance. Last evaluated: 2023-11-20. Review status: criteria provided, single submitter. Criteria: GeneDx Variant Classification Process June 2021. Collection method: clinical testing. Allele origin: germline. Affected: yes.
Comment: Not observed at significant frequency in large population cohorts (gnomAD); In silico analysis is inconclusive as to whether the variant alters gene splicing.; Observed in a patient without clinical features of Peutz-Jeghers syndrome, and demonstrated to have a very minor impact on splicing (PMID: 34439939); This variant is associated with the following publications: (PMID: 34439939)

MGZ Medical Genetics Center
Classification: Uncertain significance for Peutz-Jeghers syndrome. Last evaluated: 2022-08-16. Review status: criteria provided, single submitter. Criteria: ACMG Guidelines, 2015. Collection method: clinical testing. Allele origin: germline. Affected: yes. Observed: 1 variant allele.
Comment: ACMG criteria applied: PM2_SUP, PP3

Genome-Nilou Lab
Classification: Uncertain significance for Peutz-Jeghers syndrome. Last evaluated: 2021-07-15. Review status: criteria provided, single submitter. Criteria: ACMG Guidelines, 2015. Collection method: clinical testing. Allele origin: germline. Affected: no.

Department of Molecular Diagnostics, Institute of Oncology Ljubljana
Classification: Likely benign for Hereditary cancer. Last evaluated: 2021-07-14. Review status: criteria provided, single submitter. Criteria: ACMG Guidelines, 2015. Collection method: clinical testing. Allele origin: germline. Affected: yes.
Comment: The variants is predicted to abolish natural acceptor splice site in intron 6 by in silico splicing tools. Functional RNA study has shown that the variant causes insignificant splicing aberration (PMID: 34439939). Therefore the variant was classified as likely benign (ACMG/AMP: BS3, BP5, PM2).

Color Diagnostics, LLC DBA Color Health
Classification: Uncertain significance for Hereditary cancer-predisposing syndrome. Last evaluated: 2021-04-14. Review status: criteria provided, single submitter. Criteria: ACMG Guidelines, 2015. Collection method: clinical testing. Allele origin: germline.
Comment: This variant causes a deletion of 3 nucleotides from the -3 to -5 positions in intron 6 of the STK11 gene. Splice site prediction tools suggest that this variant may have an impact on RNA splicing. To our knowledge, RNA studies have not been reported for this variant. This variant has not been reported in individuals affected with hereditary cancer in the literature. This variant has not been identified in the general population by the Genome Aggregation Database (gnomAD). The available evidence is insufficient to determine the role of this variant in disease conclusively. Therefore, this variant is classified as a Variant of Uncertain Significance.

Ambry Genetics
Classification: Likely benign for Hereditary cancer-predisposing syndrome. Last evaluated: 2019-06-13. Review status: criteria provided, single submitter. Criteria: Ambry Variant Classification Scheme 2023. Collection method: clinical testing. Allele origin: germline.

Literature cited by the submitters: PubMed 34439939 (cited by Quest Diagnostics Nichols Institute San Juan Capistrano and Women's Health and Genetics/Laboratory Corporation of America, LabCorp); DOI 10.3390/biology10080706 (cited by Department of Molecular Diagnostics, Institute of Oncology Ljubljana).

NM_000455.5(STK11):c.863-5_863-3del

Gene: STK11 (serine/threonine kinase 11; plus strand). Cytogenetic location: 19p13.3.
Variant type: Microsatellite.
Coding change: c.863-5_863-3del on transcript NM_000455.5 (MANE Select); 5 bases into the intron before coding-DNA position 863 through 3 bases into the intron before coding-DNA position 863, 3 bases deleted (CTC; older notation c.863-5_863-3delCTC).
Molecular consequence: intron variant.
Genome position (GRCh38, 1-based): chr19:1,221,944-1,221,946, CTC deleted; deleting any 3 consecutive bases within chr19:1,221,941-1,221,946 gives the same sequence; the c. name uses the placement nearest the transcript's 3' end. VCF-style (leftmost placement, unchanged base first): chr19-1221940-TCTC-T. GRCh37 (hg19) VCF-style: chr19-1221939-TCTC-T.
Other names: c.863-5_863-3delCTC (NM_000455.4, NM_000455.5).
Identifiers: ClinVar variation 420387 (VCV000420387.30), dbSNP rs764739106, ClinGen allele CA049370.